The following is an entry in ClinVar:

ClinVar aggregate classification (germline): Uncertain significance (1 of 4 stars; one submission).

Conditions:
Hereditary pancreatitis (PCTT). Also called: Hereditary chronic pancreatitis; PRSS1-Related Hereditary Pancreatitis. Identifiers: Orphanet 676, MedGen C0238339, MONDO:0008185, OMIM 167800.

gnomAD v4.1: 1 of 1,614,186 alleles (0.000062%); no homozygotes.

Submission:

Ambry Genetics
Classification: Uncertain significance for Hereditary pancreatitis. Last evaluated: 2025-03-26. Review status: criteria provided, single submitter. Criteria: Ambry Variant Classification Scheme 2023. Collection method: clinical testing. Allele origin: germline.
Comment: The p.P392T variant (also known as c.1174C>A), located in coding exon 10 of the CPA1 gene, results from a C to A substitution at nucleotide position 1174. The proline at codon 392 is replaced by threonine, an amino acid with highly similar properties. This amino acid position is conserved. In addition, this alteration is predicted to be deleterious by in silico analysis. Based on the available evidence, the clinical significance of this variant remains unclear.

NM_001868.4(CPA1):c.1174C>A (p.Pro392Thr)

Gene: CPA1 (carboxypeptidase A1; plus strand). Cytogenetic location: 7q32.2.
Variant type: single nucleotide variant.
Coding change: c.1174C>A on transcript NM_001868.4 (MANE Select); coding-DNA position 1174, C replaced by A.
Protein change: p.Pro392Thr; replaces proline 392 with threonine.
Molecular consequence: missense variant.
Genome position (GRCh38, 1-based): chr7:130,387,925, C>A. VCF-style: chr7-130387925-C-A. GRCh37 (hg19) VCF-style: chr7-130027766-C-A.
Other names: short protein forms P392T.
Identifiers: ClinVar variation 4006047 (VCV004006047.1).